The following is an entry in ClinVar:

ClinVar aggregate classification (germline): Uncertain significance (1 of 4 stars; one submission).

Allele frequency attached by ClinVar (database versions not stated): gnomAD 0.00001.
gnomAD v4.1: 3 of 1,613,634 alleles (0.00019%); highest among the groups gnomAD compares: Non-Finnish European, 0.00025%; no homozygotes.

Submission:

Labcorp Genetics (formerly Invitae), Labcorp
Classification: Uncertain significance. Last evaluated: 2024-03-14. Review status: criteria provided, single submitter. Criteria: Invitae Variant Classification Sherloc (09022015). Collection method: clinical testing. Allele origin: germline.
Comment: This sequence change replaces proline, which is neutral and non-polar, with glutamine, which is neutral and polar, at codon 117 of the CYFIP2 protein (p.Pro117Gln). This variant is not present in population databases (gnomAD no frequency). This variant has not been reported in the literature in individuals affected with CYFIP2-related conditions. Experimental studies and prediction algorithms are not available or were not evaluated, and the functional significance of this variant is currently unknown. In summary, the available evidence is currently insufficient to determine the role of this variant in disease. Therefore, it has been classified as a Variant of Uncertain Significance.

NM_001037333.3(CYFIP2):c.350C>A (p.Pro117Gln)

Gene: CYFIP2 (cytoplasmic FMR1 interacting protein 2; plus strand). Cytogenetic location: 5q33.3.
Variant type: single nucleotide variant.
Coding change: c.350C>A on transcript NM_001037333.3 (MANE Select); coding-DNA position 350, C replaced by A.
Protein change: p.Pro117Gln; replaces proline 117 with glutamine.
Molecular consequence: missense variant.
Genome position (GRCh38, 1-based): chr5:157,296,737, C>A. VCF-style: chr5-157296737-C-A. GRCh37 (hg19) VCF-style: chr5-156723745-C-A.
Other names: c.350C>A, p.Pro117Gln (NM_001291722.2, NM_014376.4); c.272C>A, p.Pro91Gln (NM_001291721.2); short protein forms P91Q, P117Q.
Identifiers: ClinVar variation 2756306 (VCV002756306.3), dbSNP rs763631624, ClinGen allele CA361965997.